The following is an entry in ClinVar:

NM_000051.4(ATM):c.127C>G (p.Leu43Val)

Gene: ATM (ATM serine/threonine kinase; plus strand). Cytogenetic location: 11q22.3.
Variant type: single nucleotide variant.
Coding change: c.127C>G on transcript NM_000051.4 (MANE Select); coding-DNA position 127, C replaced by G.
Protein change: p.Leu43Val; replaces leucine 43 with valine.
Molecular consequence: missense variant.
Genome position (GRCh38, 1-based): chr11:108,227,830, C>G. VCF-style: chr11-108227830-C-G. GRCh37 (hg19) VCF-style: chr11-108098557-C-G.
Other names: c.127C>G, p.Leu43Val (NM_001351834.2, NM_001351835.2, NM_001351836.2); short protein forms L43V.
Identifiers: ClinVar variation 186855 (VCV000186855.37), dbSNP rs772591447, ClinGen allele CA196055.

ClinVar aggregate classification (germline): Uncertain significance. Review status: criteria provided, multiple submitters, no conflicts (2 of 4 stars). 9 submissions from 9 submitters: Uncertain significance (7). 2 of the submissions do not count toward it. Last evaluated 2025-11-18.

Conditions:
ATM-related disorder. Also called: ATM-related disorders; ATM-related condition.
Hereditary cancer-predisposing syndrome. Also called: Neoplastic Syndromes, Hereditary; Tumor predisposition; Hereditary neoplastic syndrome; Hereditary Cancer Syndrome. Identifiers: Orphanet 140162, MedGen C0027672, MeSH D009386, MONDO:0015356.
Familial cancer of breast. Also called: Hereditary breast cancer; BREAST CANCER, FAMILIAL; hereditary breast carcinoma. Identifiers: Orphanet 227535, MedGen C0346153, MONDO:0016419, OMIM 114480. Disease mechanism: loss of function.
Ataxia-telangiectasia syndrome (AT). Also called: Cerebello-oculocutaneous telangiectasia; Immunodeficiency with ataxia telangiectasia; AT, COMPLEMENTATION GROUP C; LOUIS-BAR SYNDROME; Ataxia-telangiectasia, complementation group E; ATAXIA-TELANGIECTASIA, COMPLEMENTATION GROUP A. Identifiers: Orphanet 100, MedGen C0004135, MONDO:0008840, OMIM 208900.
Malignant tumor of breast. Also called: Malignant breast neoplasm; Cancer breast. Identifiers: MedGen C0006142, MONDO:0007254. Disease mechanism: loss of function.

Allele frequency attached by ClinVar (database versions not stated): gnomAD exomes 0.00001; ExAC 0.00002.
gnomAD v4.1: 9 of 1,613,604 alleles (0.00056%); highest among the groups gnomAD compares: South Asian, 0.0077%; no homozygotes.

Submissions (9):

Labcorp Genetics (formerly Invitae), Labcorp
Classification: Uncertain significance for Ataxia-telangiectasia syndrome. Last evaluated: 2025-11-18. Review status: criteria provided, single submitter. Criteria: Invitae Variant Classification Sherloc (09022015). Collection method: clinical testing. Allele origin: germline.
Comment: This sequence change replaces leucine, which is neutral and non-polar, with valine, which is neutral and non-polar, at codon 43 of the ATM protein (p.Leu43Val). This variant is present in population databases (rs772591447, gnomAD 0.01%). This variant has not been reported in the literature in individuals affected with ATM-related conditions. ClinVar contains an entry for this variant (Variation ID: 186855). Invitae Evidence Modeling of protein sequence and biophysical properties (such as structural, functional, and spatial information, amino acid conservation, physicochemical variation, residue mobility, and thermodynamic stability) indicates that this missense variant is not expected to disrupt ATM protein function with a negative predictive value of 95%. In summary, the available evidence is currently insufficient to determine the role of this variant in disease. Therefore, it has been classified as a Variant of Uncertain Significance.

Ambry Genetics
Classification: Uncertain significance for Hereditary cancer-predisposing syndrome. Last evaluated: 2025-10-23. Review status: criteria provided, single submitter. Criteria: Ambry Variant Classification Scheme 2023. Collection method: clinical testing. Allele origin: germline.
Comment: The p.L43V variant (also known as c.127C>G), located in coding exon 2 of the ATM gene, results from a C to G substitution at nucleotide position 127. The leucine at codon 43 is replaced by valine, an amino acid with highly similar properties. This amino acid position is highly conserved in available vertebrate species. In addition, this alteration is predicted to be tolerated by in silico analysis. Since supporting evidence is limited at this time, the clinical significance of this alteration remains unclear.

PreventionGenetics, part of Exact Sciences
Classification: Uncertain significance for ATM-related condition. Last evaluated: 2025-10-06. Review status: criteria provided, single submitter. Criteria: ACMG Guidelines, 2015. Collection method: clinical testing. Allele origin: germline.
Comment: The ATM c.127C>G variant is predicted to result in the amino acid substitution p.Leu43Val. To our knowledge, this variant has not been reported in individuals with ATM-related disease. This variant is reported in 0.0098% of alleles in individuals of South Asian descent in gnomAD. At this time, the clinical significance of this variant is uncertain due to the absence of conclusive functional and genetic evidence.

Baylor Genetics
Classification: Uncertain significance for Familial cancer of breast. Last evaluated: 2023-10-18. Review status: criteria provided, single submitter. Criteria: ACMG Guidelines, 2015. Collection method: clinical testing. Allele origin: unknown.

Color Diagnostics, LLC DBA Color Health
Classification: Uncertain significance for Hereditary cancer-predisposing syndrome. Last evaluated: 2023-05-31. Review status: criteria provided, single submitter. Criteria: ACMG Guidelines, 2015. Collection method: clinical testing. Allele origin: germline.
Comment: This missense variant replaces leucine with valine at codon 43 of the ATM protein. Computational prediction suggests that this variant may not impact protein structure and function (internally defined REVEL score threshold <= 0.5, PMID: 27666373). To our knowledge, functional studies have not been reported for this variant. This variant has not been reported in individuals affected with hereditary cancer in the literature. This variant has been identified in 3/251228 chromosomes in the general population by the Genome Aggregation Database (gnomAD). The available evidence is insufficient to determine the role of this variant in disease conclusively. Therefore, this variant is classified as a Variant of Uncertain Significance.

Illumina Laboratory Services, Illumina
Classification: Uncertain significance for Ataxia-telangiectasia syndrome. Last evaluated: 2018-01-12. Review status: criteria provided, single submitter. Criteria: ICSL Variant Classification Criteria 13 December 2019. Collection method: clinical testing. Allele origin: germline.

Neuberg Centre For Genomic Medicine, NCGM
Classification: Uncertain significance for Familial cancer of breast. Review status: criteria provided, single submitter. Criteria: ACMG Guidelines, 2015. Collection method: clinical testing. Allele origin: germline. Inheritance: Autosomal dominant inheritance. Affected: yes.
Comment: The missense c.127C>Gp.Leu43Val variant in ATM gene has not been reported previously as a pathogenic variant nor a benign variant, to our knowledge. The p.Leu43Val variant has been reported with allele frequency of 0.01% in gnomAD Exomes and is novel not in any individuals in 1000 Genomes. This variant has been reported to the ClinVar database as Uncertain Significance multiple submissions. The amino acid change p.Leu43Val in ATM is predicted as conserved by GERP++ and PhyloP across 100 vertebrates. The amino acid Leu at position 43 is changed to a Val changing protein sequence and it might alter its composition and physico-chemical properties. For these reasons, this variant has been classified as a Variant of Uncertain Significance VUS.

Natera, Inc.
Classification: Uncertain significance for Ataxia-telangiectasia. Last evaluated: 2020-10-19. Review status: no assertion criteria provided. Collection method: clinical testing. Allele origin: germline. Not counted in ClinVar's aggregate classification.

Department of Pathology and Laboratory Medicine, Sinai Health System
Classification: Uncertain significance for Malignant tumor of breast. Review status: no assertion criteria provided. Collection method: clinical testing. Allele origin: unknown. Affected: yes. Study: The Canadian Open Genetics Repository (COGR). Not counted in ClinVar's aggregate classification.
Comment: The ATM p.Leu43Val variant was not identified in the literature nor was it identified in the GeneInsight-COGR, Cosmic, MutDB, or LOVD 3.0 databases. The variant was identified in dbSNP (ID: rs772591447) as "With Uncertain significance allele ", and in ClinVar (classified as uncertain significance by Ambry Genetics and Color Genomics) databases. The variant was identified in control databases in 3 of 246084 chromosomes at a frequency of 0.00001 (Genome Aggregation Database Feb 27, 2017). The variant observed in South Asian population in 3 of 30734 chromosomes (freq: 0.0001), while the variant was not observed in the African, Ashkenazi Jewish, East Asian, Finnish, European, Latino, and Other populations. The p.Leu43 residue is conserved across mammals and other organisms, and four out of five computational analyses (PolyPhen-2, SIFT, AlignGVGD, BLOSUM, MutationTaster) suggest that the variant may impact the protein; however, this information is not predictive enough to assume pathogenicity. The variant occurs outside of the splicing consensus sequence and 1 of 5 in silico or computational prediction software programs (SpliceSiteFinder, MaxEntScan, NNSPLICE, GeneSplicer, HumanSpliceFinder) predict a greater than 10% difference in splicing; this is not very predictive of pathogenicity. In summary, based on the above information the clinical significance of this variant cannot be determined with certainty at this time. This variant is classified as a variant of uncertain significance.